The following is an entry in ClinVar:

ClinVar aggregate classification (germline): Uncertain significance (1 of 4 stars; one submission).

Submission:

Labcorp Genetics (formerly Invitae), Labcorp
Classification: Uncertain significance. Last evaluated: 2025-03-18. Review status: criteria provided, single submitter. Criteria: Invitae Variant Classification Sherloc (09022015). Collection method: clinical testing. Allele origin: germline.
Comment: This sequence change replaces aspartic acid, which is acidic and polar, with asparagine, which is neutral and polar, at codon 1622 of the PTPN23 protein (p.Asp1622Asn). This variant is not present in population databases (gnomAD no frequency). This variant has not been reported in the literature in individuals affected with PTPN23-related conditions. Experimental studies and prediction algorithms are not available or were not evaluated, and the functional significance of this variant is currently unknown. In summary, the available evidence is currently insufficient to determine the role of this variant in disease. Therefore, it has been classified as a Variant of Uncertain Significance.

NM_015466.4(PTPN23):c.4864G>A (p.Asp1622Asn)

Gene: PTPN23 (protein tyrosine phosphatase non-receptor type 23; plus strand). Cytogenetic location: 3p21.31.
Variant type: single nucleotide variant.
Coding change: c.4864G>A on transcript NM_015466.4 (MANE Select); coding-DNA position 4864, G replaced by A.
Protein change: p.Asp1622Asn; replaces aspartic acid 1622 with asparagine.
Molecular consequence: missense variant.
Genome position (GRCh38, 1-based): chr3:47,413,138, G>A. VCF-style: chr3-47413138-G-A. GRCh37 (hg19) VCF-style: chr3-47454628-G-A.
Other names: c.4486G>A, p.Asp1496Asn (NM_001304482.2); short protein forms D1496N, D1622N.
Identifiers: ClinVar variation 3700901 (VCV003700901.2).